The following is an entry in ClinVar:

NM_032492.4(JAGN1):c.403G>A (p.Ala135Thr)

Gene: JAGN1 (jagunal vesicle mediated transporter 1; plus strand). Cytogenetic location: 3p25.3.
Variant type: single nucleotide variant.
Coding change: c.403G>A on transcript NM_032492.4 (MANE Select); coding-DNA position 403, G replaced by A.
Protein change: p.Ala135Thr; replaces alanine 135 with threonine.
Molecular consequence: missense variant.
Genome position (GRCh38, 1-based): chr3:9,893,228, G>A. VCF-style: chr3-9893228-G-A. GRCh37 (hg19) VCF-style: chr3-9934912-G-A.
Other names: p.Ala135Thr; c.241G>A, p.Ala81Thr (NM_001363890.1); c.403G>A, p.Ala135Thr (LRG_1228t1); short protein forms A135T, A81T.
Identifiers: ClinVar variation 475248 (VCV000475248.13), dbSNP rs61746084, ClinGen allele CA2245888.

ClinVar aggregate classification (germline): Benign/Likely benign. Review status: criteria provided, multiple submitters, no conflicts (2 of 4 stars). 3 submissions from 3 submitters: Benign (2); Likely benign (1). Last evaluated 2026-02-02.

Conditions:
Autosomal recessive severe congenital neutropenia due to JAGN1 deficiency. Also called: Severe congenital neutropenia 6, autosomal recessive. Identifiers: Orphanet 423384, MedGen C4014954, MONDO:0014456, OMIM 616022.

Allele frequency attached by ClinVar (database versions not stated): gnomAD exomes 0.00103; gnomAD 0.01030 and 0.01094; ESP Exome Variant Server 0.01169; TOPMed 0.01183; 1000 Genomes Project 0.01198; 1000 Genomes Project 30x 0.01280.
gnomAD v4.1: 3,163 of 1,614,182 alleles (0.2%); highest among the groups gnomAD compares: African/African-American, 3.6%; 57 homozygotes.

Submissions (3):

Labcorp Genetics (formerly Invitae), Labcorp
Classification: Benign for Autosomal recessive severe congenital neutropenia due to JAGN1 deficiency. Last evaluated: 2026-02-02. Review status: criteria provided, single submitter. Criteria: Invitae Variant Classification Sherloc (09022015). Collection method: clinical testing. Allele origin: germline.

Women's Health and Genetics/Laboratory Corporation of America, LabCorp
Classification: Likely benign. Last evaluated: 2026-01-22. Review status: criteria provided, single submitter. Criteria: LabCorp Variant Classification Summary - May 2015. Collection method: clinical testing. Allele origin: germline.

Mayo Clinic Laboratories, Mayo Clinic
Classification: Benign. Last evaluated: 2023-08-09. Review status: criteria provided, single submitter. Criteria: ACMG Guidelines, 2015. Collection method: clinical testing. Allele origin: germline. Observed: 8 variant alleles.
Comment: BS1, BS2, BP4